The following is an entry in ClinVar:

ClinVar aggregate classification (germline): Pathogenic (1 of 4 stars; one submission).

Conditions:
Menkes kinky-hair syndrome (MNK). Also called: Menkes Disease; Classic Menkes Disease; Copper transport disease. Identifiers: Orphanet 565, MedGen C0022716, MONDO:0010651, OMIM 309400.

Submission:

Myriad Genetics, Inc.
Classification: Pathogenic for Menkes kinky-hair syndrome. Last evaluated: 2023-09-08. Review status: criteria provided, single submitter. Criteria: Myriad Autosomal Dominant, Autosomal Recessive and X-Linked Classification Criteria (2023). Collection method: clinical testing. Allele origin: unknown.
Comment: NM_000052.5(ATP7A):c.3621_3623delGAGinsAA(R1208Kfs*8) is expected to be pathogenic in the context of ATP7A-related disorders. This variant is predicted to lead to an abnormal or absent protein product due to the creation of a premature termination codon in ATP7A, a gene where loss-of-function variants are known to be pathogenic. Please note: this variant was assessed in the context of healthy population screening.

NM_000052.7(ATP7A):c.3621_3623delinsAA (p.Arg1208fs)

Gene: ATP7A (ATPase copper transporting alpha; plus strand). Cytogenetic location: Xq21.1.
Variant type: Indel.
Coding change: c.3621_3623delinsAA on transcript NM_000052.7 (MANE Select); coding-DNA positions 3621 to 3623, GAG replaced by AA.
Protein change: p.Arg1208fs; shifts the reading frame from arginine 1208.
Molecular consequence: frameshift variant. On other transcripts: non-coding transcript variant (1).
Genome position (GRCh38, 1-based): chrX:78,038,945-78,038,947, GAG replaced by AA. VCF-style: chrX-78038945-GAG-AA. GRCh37 (hg19) VCF-style: chrX-77294443-GAG-AA.
Other names: c.3387_3389delinsAA, p.Arg1130fs (NM_001282224.2); short protein forms R1130fs, R1208fs.
Identifiers: ClinVar variation 5011598 (VCV005011598.1).